The following is an entry in ClinVar:

ClinVar aggregate classification (germline): Uncertain significance (1 of 4 stars; one submission).

gnomAD v4.1: 33 of 1,610,878 alleles (0.002%); highest among the groups gnomAD compares: Non-Finnish European, 0.0027%; no homozygotes.

Submission:

Labcorp Genetics (formerly Invitae), Labcorp
Classification: Uncertain significance. Last evaluated: 2025-12-24. Review status: criteria provided, single submitter. Criteria: Invitae Variant Classification Sherloc (09022015). Collection method: clinical testing. Allele origin: germline.
Comment: This sequence change replaces valine, which is neutral and non-polar, with isoleucine, which is neutral and non-polar, at codon 355 of the CD46 protein (p.Val355Ile). This variant also falls at the last nucleotide of exon 11, which is part of the consensus splice site for this exon. This variant is not present in population databases (gnomAD no frequency). This variant has not been reported in the literature in individuals affected with CD46-related conditions. An algorithm developed to predict the effect of missense changes on protein structure and function outputs the following: PolyPhen-2: "Benign". The isoleucine amino acid residue is found in multiple mammalian species, which suggests that this missense change does not adversely affect protein function. Variants that disrupt the consensus splice site are a relatively common cause of aberrant splicing (PMID: 17576681, 9536098). In summary, the available evidence is currently insufficient to determine the role of this variant in disease. Therefore, it has been classified as a Variant of Uncertain Significance.

Literature cited by the submitters: PubMed 17576681; PubMed 9536098.

NM_172351.3(CD46):c.1018G>A (p.Val340Ile)

Gene: CD46 (CD46 molecule; plus strand). Cytogenetic location: 1q32.2.
Variant type: single nucleotide variant.
Coding change: c.1018G>A on transcript NM_172351.3 (MANE Select); coding-DNA position 1018, G replaced by A.
Protein change: p.Val340Ile; replaces valine 340 with isoleucine.
Molecular consequence: missense variant.
Genome position (GRCh38, 1-based): chr1:207,785,106, G>A. VCF-style: chr1-207785106-G-A. GRCh37 (hg19) VCF-style: chr1-207958451-G-A.
Other names: c.1063G>A, p.Val355Ile (NM_002389.4, NM_172359.3); c.1018G>A, p.Val340Ile (NM_153826.4); c.973G>A, p.Gly325Arg (NM_172350.3); c.973G>A, p.Val325Ile (NM_172352.3, NM_172353.3); c.976G>A, p.Val326Ile (NM_172355.3, NM_172356.3); c.931G>A, p.Val311Ile (NM_172357.3, NM_172361.3); c.1018G>A, p.Asp340Asn (NM_172358.3); short protein forms V311I, V325I, D340N, G325R, V326I, V340I, V355I.
Identifiers: ClinVar variation 4703282 (VCV004703282.1).